The following is an entry in ClinVar:

ClinVar aggregate classification (germline): Likely pathogenic (1 of 4 stars; one submission).

Conditions:
Cardiovascular phenotype. Identifiers: MedGen CN230736.

Allele frequency attached by ClinVar (database versions not stated): gnomAD exomes below 0.00001.
gnomAD v4.1: 1 of 1,614,036 alleles (0.000062%); highest among the groups gnomAD compares: Non-Finnish European, 0.000085%; no homozygotes.

Submission:

Ambry Genetics
Classification: Likely pathogenic for Cardiovascular phenotype. Last evaluated: 2020-08-25. Review status: criteria provided, single submitter. Criteria: Ambry Variant Classification Scheme 2023. Collection method: clinical testing. Allele origin: germline.
Comment: The p.Q1024* variant (also known as c.3070C>T), located in coding exon 6 of the ALPK3 gene, results from a C to T substitution at nucleotide position 3070. This changes the amino acid from a glutamine to a stop codon within coding exon 6. This alteration is expected to result in loss of function by premature protein truncation or nonsense-mediated mRNA decay. Based on the majority of available evidence to date, this variant is likely to be pathogenic.

NM_020778.5(ALPK3):c.2464C>T (p.Gln822Ter)

Gene: ALPK3 (alpha kinase 3; plus strand). Cytogenetic location: 15q25.3.
Variant type: single nucleotide variant.
Coding change: c.2464C>T on transcript NM_020778.5 (MANE Select); coding-DNA position 2464, C replaced by T.
Protein change: p.Gln822Ter; replaces glutamine 822 with a stop codon.
Molecular consequence: nonsense.
Genome position (GRCh38, 1-based): chr15:84,857,202, C>T. VCF-style: chr15-84857202-C-T. GRCh37 (hg19) VCF-style: chr15-85400433-C-T.
Other names: short protein forms Q822*.
Identifiers: ClinVar variation 1799496 (VCV001799496.2), dbSNP rs1173256548, ClinGen allele CA393357241.